The following is an entry in ClinVar:

ClinVar aggregate classification (germline): Uncertain significance (1 of 4 stars; one submission).

Submission:

Labcorp Genetics (formerly Invitae), Labcorp
Classification: Uncertain significance. Last evaluated: 2022-06-28. Review status: criteria provided, single submitter. Criteria: Invitae Variant Classification Sherloc (09022015). Collection method: clinical testing. Allele origin: germline.
Comment: In summary, the available evidence is currently insufficient to determine the role of this variant in disease. Therefore, it has been classified as a Variant of Uncertain Significance. Advanced modeling of protein sequence and biophysical properties (such as structural, functional, and spatial information, amino acid conservation, physicochemical variation, residue mobility, and thermodynamic stability) performed at Invitae indicates that this missense variant is not expected to disrupt CPLANE1 protein function. This variant has not been reported in the literature in individuals affected with CPLANE1-related conditions. This variant is not present in population databases (gnomAD no frequency). This sequence change replaces phenylalanine, which is neutral and non-polar, with cysteine, which is neutral and slightly polar, at codon 212 of the CPLANE1 protein (p.Phe212Cys).

NM_001384732.1(CPLANE1):c.635T>G (p.Phe212Cys)

Gene: CPLANE1 (ciliogenesis and planar polarity effector complex subunit 1; minus strand). Cytogenetic location: 5p13.2.
Variant type: single nucleotide variant.
Coding change: c.635T>G on transcript NM_001384732.1 (MANE Select); coding-DNA position 635, T replaced by G.
Protein change: p.Phe212Cys; replaces phenylalanine 212 with cysteine.
Molecular consequence: missense variant.
Genome position (GRCh38, 1-based): chr5:37,243,055, A>C on the plus strand (T>G on the coding strand, the complement: CPLANE1 is on the minus strand). VCF-style: chr5-37243055-A-C. GRCh37 (hg19) VCF-style: chr5-37243157-A-C.
Other names: c.635T>G, p.Phe212Cys (NM_023073.4); short protein forms F212C.
Identifiers: ClinVar variation 1503506 (VCV001503506.6), dbSNP rs1467507075, ClinGen allele CA359519166.